The following is an entry in ClinVar:

ClinVar aggregate classification (germline): Uncertain significance (1 of 4 stars; one submission).

Allele frequency attached by ClinVar (database versions not stated): gnomAD exomes below 0.00001.
gnomAD v4.1: 6 of 1,613,556 alleles (0.00037%); highest among the groups gnomAD compares: Non-Finnish European, 0.00051%; no homozygotes.

Submission:

GeneDx
Classification: Uncertain significance. Last evaluated: 2022-03-21. Review status: criteria provided, single submitter. Criteria: GeneDx Variant Classification Process June 2021. Collection method: clinical testing. Allele origin: germline. Affected: yes.
Comment: Not observed at significant frequency in large population cohorts (gnomAD); In silico analysis supports that this missense variant has a deleterious effect on protein structure/function; Has not been previously published as pathogenic or benign to our knowledge

NM_170606.3(KMT2C):c.10070A>T (p.Gln3357Leu)

Gene: KMT2C (lysine methyltransferase 2C; minus strand). Cytogenetic location: 7q36.1.
Variant type: single nucleotide variant.
Coding change: c.10070A>T on transcript NM_170606.3 (MANE Select); coding-DNA position 10070, A replaced by T.
Protein change: p.Gln3357Leu; replaces glutamine 3357 with leucine.
Molecular consequence: missense variant.
Genome position (GRCh38, 1-based): chr7:152,163,507, T>A on the plus strand (A>T on the coding strand, the complement: KMT2C is on the minus strand). VCF-style: chr7-152163507-T-A. GRCh37 (hg19) VCF-style: chr7-151860592-T-A.
Other names: short protein forms Q3357L.
Identifiers: ClinVar variation 1707030 (VCV001707030.2), dbSNP rs2487692110, ClinGen allele CA370104929.